The following is an entry in ClinVar:

NM_000232.5(SGCB):c.355A>T (p.Ile119Phe)

Gene: SGCB (sarcoglycan beta; minus strand). Cytogenetic location: 4q12.
Variant type: single nucleotide variant.
Coding change: c.355A>T on transcript NM_000232.5 (MANE Select); coding-DNA position 355, A replaced by T.
Protein change: p.Ile119Phe; replaces isoleucine 119 with phenylalanine.
Molecular consequence: missense variant.
Genome position (GRCh38, 1-based): chr4:52,029,752, T>A on the plus strand (A>T on the coding strand, the complement: SGCB is on the minus strand). VCF-style: chr4-52029752-T-A. GRCh37 (hg19) VCF-style: chr4-52895918-T-A.
Other names: short protein forms I119F.
Identifiers: ClinVar variation 282249 (VCV000282249.26), dbSNP rs762412447, ClinGen allele CA2918432.

ClinVar aggregate classification (germline): Conflicting classifications of pathogenicity. Review status: criteria provided, conflicting classifications (1 of 4 stars). 12 submissions from 12 submitters: Pathogenic (1); Likely pathogenic (6); Uncertain significance (4). 1 of the submissions does not count toward it. Last evaluated 2025-04-07.

Conditions:
SGCB-related disorder. Also called: SGCB-related condition.
Autosomal recessive limb-girdle muscular dystrophy type 2E (LGMDR4). Also called: MUSCULAR DYSTROPHY, LIMB-GIRDLE, AUTOSOMAL RECESSIVE 4. Identifiers: Orphanet 119, MedGen C1858593, MONDO:0011423, OMIM 604286. Disease mechanism: Affects gamma-sarcoglycan and also disrupts the integrity of the entire sarcoglycan complex..

Allele frequency attached by ClinVar (database versions not stated): ExAC 0.00001; gnomAD exomes 0.00001 and 0.00002.
gnomAD v4.1: 10 of 1,613,760 alleles (0.00062%); highest among the groups gnomAD compares: South Asian, 0.011%; no homozygotes.

Submissions (12):

Myriad Genetics, Inc.
Classification: Likely pathogenic for Autosomal recessive limb-girdle muscular dystrophy type 2E. Last evaluated: 2025-04-07. Review status: criteria provided, single submitter. Criteria: Myriad Autosomal Dominant, Autosomal Recessive and X-Linked Classification Criteria (2023). Collection method: clinical testing. Allele origin: unknown.
Comment: NM_000232.4(SGCB):c.355A>T(I119F) is a missense variant classified as likely pathogenic in the context of beta-sarcoglycanopathy. I119F has been observed in cases with relevant disease (PMID: 27671536, 28889091, 39548682, 35416532, 9565988, 34925456). Relevant functional assessments of this variant are available in the literature (PMID: 37317968). I119F has been observed in referenced population frequency databases. In summary, NM_000232.4(SGCB):c.355A>T(I119F) is a missense variant that has functional support for pathogenicity and has been observed more frequently in cases with the relevant disease than in healthy populations. Please note: this variant was assessed in the context of healthy population screening.

GeneDx
Classification: Pathogenic. Last evaluated: 2025-02-10. Review status: criteria provided, single submitter. Criteria: GeneDx Variant Classification Process June 2021. Collection method: clinical testing. Allele origin: germline. Affected: yes.
Comment: Published functional studies demonstrate a damaging effect on cell surface abundance and a non-functional protein product (PMID: 37317968); Not observed at significant frequency in large population cohorts (gnomAD); Missense variants in this gene are a common cause of disease and they are underrepresented in the general population; In silico analysis indicates that this missense variant does not alter protein structure/function; This variant is associated with the following publications: (PMID: 9565988, 8968749, 30564623, 34925456, 29970176, 38876406, 39769077, 35416532, 39548682, 27671536, 37317968)

Natera, Inc.
Classification: Likely pathogenic for Limb-girdle muscular dystrophy type 2E. Last evaluated: 2024-12-04. Review status: criteria provided, single submitter. Criteria: Natera Variant Classification Schema (03/2026). Collection method: clinical testing. Allele origin: germline.
Comment: The c.355A>T variant in SGCB is a missense variant predicted to cause substitution of isoleucine to phenylalanine at amino acid 119. This variant is rare in the general population with a frequency below the threshold expected for the associated phenotype(s). This variant has been observed in one or more individuals affected with the associated recessive disease, as either homozygous or compound heterozygous with a second variant (PMID: 27671536, 35416532). Computational prediction algorithms indicate this variant is likely to affect gene or protein function. Given the available evidence, this variant is classified as Likely Pathogenic.

Labcorp Genetics (formerly Invitae), Labcorp
Classification: Uncertain significance for Autosomal recessive limb-girdle muscular dystrophy type 2E. Last evaluated: 2024-10-13. Review status: criteria provided, single submitter. Criteria: Invitae Variant Classification Sherloc (09022015). Collection method: clinical testing. Allele origin: germline.
Comment: This sequence change replaces isoleucine, which is neutral and non-polar, with phenylalanine, which is neutral and non-polar, at codon 119 of the SGCB protein (p.Ile119Phe). This variant is present in population databases (rs762412447, gnomAD 0.01%). This missense change has been observed in individual(s) with clinical features of limb-girdle muscular dystrophy (PMID: 9565988, 27671536, 34925456, 35416532). ClinVar contains an entry for this variant (Variation ID: 282249). Invitae Evidence Modeling of protein sequence and biophysical properties (such as structural, functional, and spatial information, amino acid conservation, physicochemical variation, residue mobility, and thermodynamic stability) indicates that this missense variant is not expected to disrupt SGCB protein function with a negative predictive value of 80%. This variant disrupts the p.Ile119 amino acid residue in SGCB. Other variant(s) that disrupt this residue have been observed in individuals with SGCB-related conditions (PMID: 29970176), which suggests that this may be a clinically significant amino acid residue. In summary, the available evidence is currently insufficient to determine the role of this variant in disease. Therefore, it has been classified as a Variant of Uncertain Significance.

Revvity Omics, Revvity
Classification: Likely pathogenic for Autosomal recessive limb-girdle muscular dystrophy type 2E. Last evaluated: 2024-09-23. Review status: criteria provided, single submitter. Criteria: ACMG Guidelines, 2015. Collection method: clinical testing. Allele origin: germline.

Blueprint Genetics
Classification: Likely pathogenic for SGCB-related disorders. Last evaluated: 2024-01-05. Review status: criteria provided, single submitter. Criteria: ACMG Guidelines, 2015. Collection method: clinical testing. Allele origin: germline. Affected: yes. Observed: 1 variant allele.

Fulgent Genetics
Classification: Uncertain significance for Autosomal recessive limb-girdle muscular dystrophy type 2E. Last evaluated: 2022-02-24. Review status: criteria provided, single submitter. Criteria: ACMG Guidelines, 2015. Collection method: clinical testing. Allele origin: unknown.

Breakthrough Genomics
Classification: Likely pathogenic for Autosomal recessive limb-girdle muscular dystrophy type 2E. Last evaluated: 2021-02-15. Review status: criteria provided, single submitter. Criteria: ACMG Guidelines, 2015. Collection method: clinical testing. Allele origin: germline. Affected: yes.
Comment: This variant has been previously reported in individuals affected with limb-girdle muscular dystrophy (as represented as p.I119F in the article) and was found to be absent in controls samples analyzed. This variant was classified as ‘pathogenic’ based on ACMG classification. [PMID: 9565988, 27671536, 29970176].

Eurofins Ntd Llc (ga)
Classification: Uncertain significance. Last evaluated: 2017-06-12. Review status: criteria provided, single submitter. Criteria: EGL Classification Definitions 2015. Collection method: clinical testing. Allele origin: germline. Observed: 7 variant alleles, 7 homozygotes.

Foundation for Research in Genetics and Endocrinology, FRIGE's Institute of Human Genetics
Classification: Likely pathogenic for Autosomal recessive limb-girdle muscular dystrophy type 2E. Review status: criteria provided, single submitter. Criteria: ACMG Guidelines, 2015. Collection method: clinical testing. Allele origin: germline. Inheritance: Autosomal recessive inheritance. Affected: yes. Observed: 1 compound heterozygote.
Comment: A heterozygous missense variation in exon 3 of the SGCB gene that results in the amino acid substitution of Phenylalanine for Isoleucine at codon 119 was detected.This variant has not been reported in the 1000 genomes and gnomAD databases. The in silico predictions of the variant are possibly damaging by PolyPhen-2 (HumDiv) and damaging by SIFT, LRT and by MutationTaster2. The reference codon is conserved across species. In summary, the variant meets our criteria to be classified as likely pathogenic.

Neuberg Centre For Genomic Medicine, NCGM
Classification: Uncertain significance for Autosomal recessive limb-girdle muscular dystrophy type 2E. Review status: criteria provided, single submitter. Criteria: ACMG Guidelines, 2015. Collection method: clinical testing. Allele origin: germline. Inheritance: Autosomal recessive inheritance. Affected: yes.
Comment: The missense c.355A>T(p.Ile119Phe) variant in SGCB gene has been reported previously in homozygous, compound heterozygous and heterozygous state in individual(s) affected with muscular dystrophy (Fichna JP, et al., 2018; Monies D, et al., 2016; Mohammad NS, et al 2022; Duclos F, et al). The p.Ile119Phe variant has been reported with allele frequency of 0.02% in gnomAD Exomes and is novel (not in any individuals) in 1000 Genomes. This variant has been reported to the ClinVar database as Likely Pathogenic / Uncertain Significance (multiple submissions). The amino acid change p.Ile119Phe in SGCB is predicted as conserved by GERP++ and PhyloP across 100 vertebrates. The amino acid Ile at position 119 is changed to a Phe changing protein sequence and it might alter its composition and physico-chemical properties. However, provided evidence is insufficienct to make an independent assesment of pathogenicity. For these reaons, this variant has been classified as a Variant of Uncertain Significant (VUS).

Counsyl
Classification: Uncertain significance for Autosomal recessive limb-girdle muscular dystrophy type 2E. Last evaluated: 2017-06-01. Review status: no assertion criteria provided. Collection method: clinical testing. Allele origin: unknown. Not counted in ClinVar's aggregate classification.

Literature cited by the submitters: PubMed 27671536 (cited by 4 submitters); PubMed 28889091 (cited by Myriad Genetics, Inc.); PubMed 34925456 (cited by Myriad Genetics, Inc. and Labcorp Genetics (formerly Invitae), Labcorp); PubMed 35416532 (cited by 3 submitters); PubMed 37317968 (cited by Myriad Genetics, Inc.); PubMed 39548682 (cited by Myriad Genetics, Inc.); PubMed 9565988 (cited by 3 submitters); PubMed 29970176 (cited by Labcorp Genetics (formerly Invitae), Labcorp).